The following is an entry in ClinVar:

NM_000246.4(CIITA):c.2765C>T (p.Ala922Val)

Gene: CIITA (class II major histocompatibility complex transactivator; plus strand). Cytogenetic location: 16p13.13.
Variant type: single nucleotide variant.
Coding change: c.2765C>T on transcript NM_000246.4 (MANE Select); coding-DNA position 2765, C replaced by T.
Protein change: p.Ala922Val; replaces alanine 922 with valine.
Molecular consequence: missense variant.
Genome position (GRCh38, 1-based): chr16:10,909,136, C>T. VCF-style: chr16-10909136-C-T. GRCh37 (hg19) VCF-style: chr16-11002993-C-T.
Other names: c.2768C>T, p.Ala923Val (NM_001286402.1, NM_001379332.1); c.1013C>T, p.Ala338Val (NM_001286403.2); c.2621C>T, p.Ala874Val (NM_001379330.1); c.2618C>T, p.Ala873Val (NM_001379331.1); c.2765C>T, p.Ala922Val (NM_001379333.1); c.2696C>T, p.Ala899Val (NM_001379334.1); short protein forms A874V, A899V, A873V, A922V, A338V, A923V.
Identifiers: ClinVar variation 2132937 (VCV002132937.1), dbSNP rs537794932, ClinGen allele CA277749781.

ClinVar aggregate classification (germline): Uncertain significance (1 of 4 stars; one submission).

Conditions:
MHC class II deficiency. Also called: Bare lymphocyte syndrome 2; BLS, TYPE II. Identifiers: Orphanet 572, MedGen C5447452, MONDO:0008855.

Allele frequency attached by ClinVar (database versions not stated): TOPMed below 0.00001.
gnomAD v4.1: 2 of 1,614,192 alleles (0.00012%); highest among the groups gnomAD compares: East Asian, 0.0045%; no homozygotes.

Submission:

Labcorp Genetics (formerly Invitae), Labcorp
Classification: Uncertain significance for MHC class II deficiency. Last evaluated: 2022-05-03. Review status: criteria provided, single submitter. Criteria: Invitae Variant Classification Sherloc (09022015). Collection method: clinical testing. Allele origin: germline.
Comment: This sequence change replaces alanine, which is neutral and non-polar, with valine, which is neutral and non-polar, at codon 922 of the CIITA protein (p.Ala922Val). This variant is present in population databases (rs537794932, gnomAD 0.006%). This variant has not been reported in the literature in individuals affected with CIITA-related conditions. Algorithms developed to predict the effect of missense changes on protein structure and function output the following: SIFT: "Tolerated"; PolyPhen-2: "Benign"; Align-GVGD: "Class C0". The valine amino acid residue is found in multiple mammalian species, which suggests that this missense change does not adversely affect protein function. In summary, the available evidence is currently insufficient to determine the role of this variant in disease. Therefore, it has been classified as a Variant of Uncertain Significance.